The following is an entry in ClinVar:

NM_006506.5(RASA2):c.451-2A>G

Gene: RASA2 (RAS p21 protein activator 2; plus strand). Cytogenetic location: 3q23.
Variant type: single nucleotide variant.
Coding change: c.451-2A>G on transcript NM_006506.5 (MANE Select); the canonical splice acceptor site of the intron before coding-DNA position 451, A replaced by G.
Molecular consequence: splice acceptor variant.
Genome position (GRCh38, 1-based): chr3:141,540,531, A>G. VCF-style: chr3-141540531-A-G. GRCh37 (hg19) VCF-style: chr3-141259373-A-G.
Other names: c.451-2A>G (NM_001303245.3, NM_001303246.3).
Identifiers: ClinVar variation 3698765 (VCV003698765.2).

ClinVar aggregate classification (germline): Uncertain significance (1 of 4 stars; one submission).

gnomAD v4.1: 3 of 1,605,398 alleles (0.00019%); highest among the groups gnomAD compares: South Asian, 0.0011%; no homozygotes.

Submission:

Labcorp Genetics (formerly Invitae), Labcorp
Classification: Uncertain significance. Last evaluated: 2024-12-20. Review status: criteria provided, single submitter. Criteria: Invitae Variant Classification Sherloc (09022015). Collection method: clinical testing. Allele origin: germline.
Comment: This sequence change affects an acceptor splice site in intron 4 of the RASA2 gene. It is expected to disrupt RNA splicing. Variants that disrupt the donor or acceptor splice site typically lead to a loss of protein function (PMID: 16199547), however the current clinical and genetic evidence is not sufficient to establish whether loss-of-function variants in RASA2 cause disease. This variant is not present in population databases (gnomAD no frequency). This variant has not been reported in the literature in individuals affected with RASA2-related conditions. Algorithms developed to predict the effect of sequence changes on RNA splicing suggest that this variant may disrupt the consensus splice site. In summary, the available evidence is currently insufficient to determine the role of this variant in disease. Therefore, it has been classified as a Variant of Uncertain Significance.

Literature cited by the submitters: PubMed 16199547.